The following is an entry in ClinVar:

ClinVar aggregate classification (germline): Likely benign (1 of 4 stars; one submission).

Allele frequency attached by ClinVar (database versions not stated): ESP Exome Variant Server 0.00008; gnomAD exomes 0.00009; ExAC 0.00013; TOPMed 0.00023; gnomAD 0.00029; 1000 Genomes Project 0.00040; 1000 Genomes Project 30x 0.00047.
gnomAD v4.1: 159 of 1,486,682 alleles (0.011%); highest among the groups gnomAD compares: Admixed American, 0.072%; no homozygotes.

Submission:

CeGaT Center for Human Genetics Tuebingen
Classification: Likely benign. Last evaluated: 2024-05-01. Review status: criteria provided, single submitter. Criteria: CeGaT Center For Human Genetics Tuebingen Variant Classification Criteria Version 2. Collection method: clinical testing. Allele origin: germline. Affected: yes. Observed: 1 variant allele.
Comment: RAPGEF2: BP4, BP7

NM_001394067.2(RAPGEF2):c.4110C>T (p.Ser1370=)

Gene: RAPGEF2 (Rap guanine nucleotide exchange factor 2; plus strand). Cytogenetic location: 4q32.1.
Variant type: single nucleotide variant.
Coding change: c.4110C>T on transcript NM_001394067.2 (MANE Select); coding-DNA position 4110, C replaced by T.
Protein change: p.Ser1370=; no amino-acid change (serine 1370 retained).
Molecular consequence: synonymous variant.
Genome position (GRCh38, 1-based): chr4:159,353,505, C>T. VCF-style: chr4-159353505-C-T. GRCh37 (hg19) VCF-style: chr4-160274657-C-T.
Other names: c.4185C>T, p.Ser1395= (NM_001351724.5); c.3762C>T, p.Ser1254= (NM_001351725.2, NM_001351726.3); c.3702C>T, p.Ser1234= (NM_001351727.4); c.3750C>T, p.Ser1250= (NM_001351728.4); c.3627C>T, p.Ser1209= (NM_014247.5).
Identifiers: ClinVar variation 3234298 (VCV003234298.20), dbSNP rs370848786, ClinGen allele CA3125147.